The following is an entry in ClinVar:

ClinVar aggregate classification (germline): Pathogenic/Likely pathogenic. Review status: criteria provided, multiple submitters, no conflicts (2 of 4 stars). 6 submissions from 6 submitters: Pathogenic (2); Likely pathogenic (4). Last evaluated 2026-06-15.

Conditions:
Bardet-Biedl syndrome (BBS). Identifiers: Orphanet 110, MedGen C0752166, MONDO:0015229.
Bardet-Biedl syndrome 4 (BBS4). Identifiers: Orphanet 110, MedGen C2936864, MONDO:0014433, OMIM 615982.
BBS4-related disorder. Also called: BBS4-related condition.

Allele frequency attached by ClinVar (database versions not stated): gnomAD exomes below 0.00001; gnomAD 0.00001 and 0.00002; TOPMed 0.00004.

Submissions (6):

Women's Health and Genetics/Laboratory Corporation of America, LabCorp
Classification: Pathogenic for Bardet-Biedl syndrome. Last evaluated: 2026-06-15. Review status: criteria provided, single submitter. Criteria: LabCorp Variant Classification Summary - May 2015. Collection method: clinical testing. Allele origin: germline.
Comment: Variant summary: BBS4 c.1375C>T (p.Gln459X) results in a premature termination codon, predicted to cause a truncation of the encoded protein or absence of the protein due to nonsense mediated decay, which are commonly known mechanisms for disease. Loss-of-function variants in this gene are known to be pathogenic. The variant was absent in 251378 control chromosomes. c.1375C>T has been observed in heterozygous state with likely pathogenic variants in other genes in an individual affected with Cond-Rod dystrophy (Wang_2017). These report(s) do not provide unequivocal conclusions about association of the variant with disease. To our knowledge, no experimental evidence demonstrating an impact on protein function has been reported. ClinVar contains an entry for this variant (Variation ID: 1179101). Based on the evidence outlined above, the variant was classified as pathogenic.

PreventionGenetics, part of Exact Sciences
Classification: Likely pathogenic for BBS4-related condition. Last evaluated: 2026-06-06. Review status: criteria provided, single submitter. Criteria: ACMG Guidelines, 2015. Collection method: clinical testing. Allele origin: germline.
Comment: The BBS4 c.1375C>T variant is predicted to result in premature protein termination (p.Gln459*). To our knowledge, this variant has not been documented in individuals affected with BBS4-related disease. This variant is reported in 0.011% of alleles in individuals of African descent in gnomAD. Nonsense variants in BBS4 are expected to be pathogenic. This variant is interpreted as likely pathogenic.

Labcorp Genetics (formerly Invitae), Labcorp
Classification: Pathogenic for Bardet-Biedl syndrome. Last evaluated: 2025-12-06. Review status: criteria provided, single submitter. Criteria: Invitae Variant Classification Sherloc (09022015). Collection method: clinical testing. Allele origin: germline.
Comment: This sequence change creates a premature translational stop signal (p.Gln459*) in the BBS4 gene. It is expected to result in an absent or disrupted protein product. Loss-of-function variants in BBS4 are known to be pathogenic (PMID: 11381270, 12016587, 20177705, 26355662, 27894351). This variant is present in population databases (no rsID available, gnomAD 0.01%). This premature translational stop signal has been observed in individual(s) with Bardet-Biedl syndrome (PMID: 31964843). ClinVar contains an entry for this variant (Variation ID: 1179101). Algorithms developed to predict the effect of sequence changes on RNA splicing suggest that this variant may disrupt the consensus splice site. For these reasons, this variant has been classified as Pathogenic.

Baylor Genetics
Classification: Likely pathogenic for Bardet-Biedl syndrome 4. Last evaluated: 2024-03-03. Review status: criteria provided, single submitter. Criteria: ACMG Guidelines, 2015. Collection method: clinical testing. Allele origin: unknown.

Fulgent Genetics
Classification: Likely pathogenic for Bardet-Biedl syndrome 4. Last evaluated: 2021-06-30. Review status: criteria provided, single submitter. Criteria: ACMG Guidelines, 2015. Collection method: clinical testing. Allele origin: unknown.
Comment: This variant has been detected in individual(s) who were sent for testing of Renasight - kidney gene panel.

Blueprint Genetics
Classification: Likely pathogenic for BBS4-related disorders. Last evaluated: 2018-02-16. Review status: criteria provided, single submitter. Criteria: ACMG Guidelines, 2015. Collection method: clinical testing. Allele origin: germline. Affected: yes. Observed: 2 variant alleles.

Literature cited by the submitters: PubMed 28838317 (cited by Women's Health and Genetics/Laboratory Corporation of America, LabCorp); PubMed 31964843 (cited by Women's Health and Genetics/Laboratory Corporation of America, LabCorp and Labcorp Genetics (formerly Invitae), Labcorp); PubMed 11381270 (cited by Labcorp Genetics (formerly Invitae), Labcorp); PubMed 12016587 (cited by Labcorp Genetics (formerly Invitae), Labcorp); PubMed 20177705 (cited by Labcorp Genetics (formerly Invitae), Labcorp); PubMed 26355662 (cited by Labcorp Genetics (formerly Invitae), Labcorp); PubMed 27894351 (cited by Labcorp Genetics (formerly Invitae), Labcorp).

NM_033028.5(BBS4):c.1375C>T (p.Gln459Ter)

Gene: BBS4 (Bardet-Biedl syndrome 4; plus strand). Cytogenetic location: 15q24.1.
Variant type: single nucleotide variant.
Coding change: c.1375C>T on transcript NM_033028.5 (MANE Select); coding-DNA position 1375, C replaced by T.
Protein change: p.Gln459Ter; replaces glutamine 459 with a stop codon.
Molecular consequence: nonsense. On other transcripts: non-coding transcript variant (2).
Genome position (GRCh38, 1-based): chr15:72,736,888, C>T. VCF-style: chr15-72736888-C-T. GRCh37 (hg19) VCF-style: chr15-73029229-C-T.
Other names: c.859C>T, p.Gln287Ter (NM_001252678.2); c.1306C>T, p.Gln436Ter (NM_001320665.2); short protein forms Q287*, Q436*, Q459*.
Identifiers: ClinVar variation 1179101 (VCV001179101.11), dbSNP rs914062190, ClinGen allele CA272646567.